The following is an entry in ClinVar:

ClinVar aggregate classification (germline): Uncertain significance (1 of 4 stars; one submission).

Allele frequency attached by ClinVar (database versions not stated): ExAC 0.00001; gnomAD exomes 0.00003; TOPMed 0.00003; gnomAD 0.00004.
gnomAD v4.1: 46 of 1,613,988 alleles (0.0029%); highest among the groups gnomAD compares: Admixed American, 0.01%; no homozygotes.

Submission:

Genetic Services Laboratory, University of Chicago
Classification: Uncertain significance. Last evaluated: 2021-03-05. Review status: criteria provided, single submitter. Criteria: ACMG Guidelines, 2015. Collection method: clinical testing. Allele origin: germline. Affected: no.
Comment: This sequence change does not appear to have been previously described in patients with FGA-related disorders and has been described in the gnomAD database with a low population frequency of 0.0028% (dbSNP rs780354544). The p.Arg458His change affects a poorly conserved amino acid residue located in a domain of the FGA protein that is known to be functional. In-silico pathogenicity prediction tools (SIFT, PolyPhen2, Align GVGD, REVEL) provide contradictory results for the p.Arg458His substitution. Due to these contrasting evidences and the lack of functional studies, the clinical significance of the p.Arg458His change remains unknown at this time.

NM_021871.4(FGA):c.1373G>A (p.Arg458His)

Gene: FGA (fibrinogen alpha chain; minus strand). Cytogenetic location: 4q31.3.
Variant type: single nucleotide variant.
Coding change: c.1373G>A on transcript NM_021871.4 (MANE Select); coding-DNA position 1373, G replaced by A.
Protein change: p.Arg458His; replaces arginine 458 with histidine.
Molecular consequence: missense variant.
Genome position (GRCh38, 1-based): chr4:154,586,056, C>T on the plus strand (G>A on the coding strand, the complement: FGA is on the minus strand). VCF-style: chr4-154586056-C-T. GRCh37 (hg19) VCF-style: chr4-155507208-C-T.
Other names: c.1373G>A, p.Arg458His (NM_000508.5); short protein forms R458H.
Identifiers: ClinVar variation 1337834 (VCV001337834.4), dbSNP rs780354544, ClinGen allele CA3115095.